The following is an entry in ClinVar:

ClinVar aggregate classification (germline): Conflicting classifications of pathogenicity. Review status: criteria provided, conflicting classifications (1 of 4 stars). 2 submissions from 2 submitters: Uncertain significance (1); Likely benign (1). Last evaluated 2025-11-03.

Conditions:
Episodic ataxia type 2 (EA2). Also called: ATAXIA, EPISODIC, WITH NYSTAGMUS; ATAXIA, FAMILIAL PAROXYSMAL; CEREBELLAR ATAXIA, PAROXYSMAL, ACETAZOLAMIDE-RESPONSIVE; CEREBELLOPATHY, HEREDITARY PAROXYSMAL; EPISODIC ATAXIA, NYSTAGMUS-ASSOCIATED; ACETAZOLAMIDE-RESPONSIVE HEREDITARY PAROXYSMAL CEREBELLAR ATAXIA. Identifiers: Orphanet 97, MedGen C1720416, MONDO:0007163, OMIM 108500.
Developmental and epileptic encephalopathy, 42 (DEE42A). Also called: Epileptic encephalopathy, early infantile, 42; DEVELOPMENTAL AND EPILEPTIC ENCEPHALOPATHY 42A; EPILEPTIC ENCEPHALOPATHY, EARLY INFANTILE, 42A. Identifiers: MedGen C4310716, MONDO:0014917, OMIM 617106.
Inborn genetic diseases. Identifiers: MedGen C0950123, MeSH D030342.

Allele frequency attached by ClinVar (database versions not stated): gnomAD 0.00001 and 0.00002; gnomAD exomes 0.00001; ExAC 0.00002; 1000 Genomes Project 30x 0.00016; 1000 Genomes Project 0.00020.
gnomAD v4.1: 19 of 1,555,394 alleles (0.0012%); highest among the groups gnomAD compares: East Asian, 0.0024%; no homozygotes.

Submissions (2):

Labcorp Genetics (formerly Invitae), Labcorp
Classification: Likely benign for Developmental and epileptic encephalopathy, 42; Episodic ataxia type 2. Last evaluated: 2025-11-03. Review status: criteria provided, single submitter. Criteria: Invitae Variant Classification Sherloc (09022015). Collection method: clinical testing. Allele origin: germline.

Ambry Genetics
Classification: Uncertain significance for Inborn genetic diseases. Last evaluated: 2021-06-04. Review status: criteria provided, single submitter. Criteria: Ambry Variant Classification Scheme 2023. Collection method: clinical testing. Allele origin: germline.
Comment: The c.2175+8C>T intronic alteration consists of a C to T substitution nucleotides after coding exon 17 in the CACNA1A gene. Based on insufficient or conflicting evidence, the clinical significance of this alteration remains unclear.

NM_001127222.2(CACNA1A):c.2172+8C>T

Gene: CACNA1A (calcium voltage-gated channel subunit alpha1 A; minus strand). Cytogenetic location: 19p13.13.
Variant type: single nucleotide variant.
Coding change: c.2172+8C>T on transcript NM_001127222.2 (MANE Select); 8 bases into the intron after coding-DNA position 2172, C replaced by T.
Molecular consequence: intron variant. On other transcripts: missense variant (2).
Genome position (GRCh38, 1-based): chr19:13,303,538, G>A on the plus strand (C>T on the coding strand, the complement: CACNA1A is on the minus strand). VCF-style: chr19-13303538-G-A. GRCh37 (hg19) VCF-style: chr19-13414352-G-A.
Other names: c.2183C>T, p.Ala728Val (NM_000068.4, NM_023035.3); c.2175+8C>T (NM_001127221.2, NM_001174080.2); short protein forms A728V.
Identifiers: ClinVar variation 760092 (VCV000760092.9), dbSNP rs200277127, ClinGen allele CA9240619.